The following is an entry in ClinVar:

NM_182961.4(SYNE1):c.17648C>A (p.Ser5883Ter)

Gene: SYNE1 (spectrin repeat containing nuclear envelope protein 1; minus strand). Cytogenetic location: 6q25.2.
Variant type: single nucleotide variant.
Coding change: c.17648C>A on transcript NM_182961.4 (MANE Select); coding-DNA position 17648, C replaced by A.
Protein change: p.Ser5883Ter; replaces serine 5883 with a stop codon.
Molecular consequence: nonsense.
Genome position (GRCh38, 1-based): chr6:152,300,675, G>T on the plus strand (C>A on the coding strand, the complement: SYNE1 is on the minus strand). VCF-style: chr6-152300675-G-T. GRCh37 (hg19) VCF-style: chr6-152621810-G-T.
Other names: c.17435C>A, p.Ser5812Ter (NM_033071.5); short protein forms S5812*, S5883*.
Identifiers: ClinVar variation 843446 (VCV000843446.6), dbSNP rs1300885934, ClinGen allele CA366103299.

ClinVar aggregate classification (germline): Pathogenic (1 of 4 stars; one submission).

Conditions:
Emery-Dreifuss muscular dystrophy 4, autosomal dominant (EDMD4). Also called: EMERY-DREIFUSS MUSCULAR DYSTROPHY 4 WITH VARIABLE FEATURES. Identifiers: Orphanet 261, MedGen C2751807, MONDO:0013071, OMIM 612998.
Autosomal recessive ataxia, Beauce type. Also called: Spinocerebellar ataxia, autosomal recessive 8; ATAXIA, RECESSIVE, OF BEAUCE; SYNE1-Related Autosomal Recessive Cerebellar Ataxia; SYNE1 Deficiency. Identifiers: Orphanet 88644, MedGen C1853116, MONDO:0012549, OMIM 610743.

Allele frequency attached by ClinVar (database versions not stated): gnomAD exomes below 0.00001 and 0.00001; TOPMed 0.00001.
gnomAD v4.1: 2 of 1,614,216 alleles (0.00012%); highest among the groups gnomAD compares: Admixed American, 0.0017%; no homozygotes.

Submission:

Labcorp Genetics (formerly Invitae), Labcorp
Classification: Pathogenic for Emery-Dreifuss muscular dystrophy 4, autosomal dominant; Autosomal recessive ataxia, Beauce type. Last evaluated: 2022-11-29. Review status: criteria provided, single submitter. Criteria: Invitae Variant Classification Sherloc (09022015). Collection method: clinical testing. Allele origin: germline.
Comment: ClinVar contains an entry for this variant (Variation ID: 843446). For these reasons, this variant has been classified as Pathogenic. This variant has not been reported in the literature in individuals affected with SYNE1-related conditions. This variant is present in population databases (no rsID available, gnomAD 0.003%). This sequence change creates a premature translational stop signal (p.Ser5812*) in the SYNE1 gene. It is expected to result in an absent or disrupted protein product. Loss-of-function variants in SYNE1 are known to be pathogenic (PMID: 19542096, 24319099, 27086870).

Literature cited by the submitters: PubMed 19542096; PubMed 24319099; PubMed 27086870.